The following is an entry in ClinVar:

ClinVar aggregate classification (germline): Uncertain significance (1 of 4 stars; one submission).

gnomAD v4.1: 5 of 1,613,784 alleles (0.00031%); highest among the groups gnomAD compares: Non-Finnish European, 0.00034%; no homozygotes.

Submission:

Labcorp Genetics (formerly Invitae), Labcorp
Classification: Uncertain significance. Last evaluated: 2026-01-22. Review status: criteria provided, single submitter. Criteria: Invitae Variant Classification Sherloc (09022015). Collection method: clinical testing. Allele origin: germline.
Comment: This sequence change replaces glutamic acid, which is acidic and polar, with lysine, which is basic and polar, at codon 673 of the CNNM2 protein (p.Glu673Lys). This variant is present in population databases (rs754366356, gnomAD 0.0009%). This variant has not been reported in the literature in individuals affected with CNNM2-related conditions. Invitae Evidence Modeling of protein sequence and biophysical properties (such as structural, functional, and spatial information, amino acid conservation, physicochemical variation, residue mobility, and thermodynamic stability) indicates that this missense variant is not expected to disrupt CNNM2 protein function with a negative predictive value of 80%. In summary, the available evidence is currently insufficient to determine the role of this variant in disease. Therefore, it has been classified as a Variant of Uncertain Significance.

NM_017649.5(CNNM2):c.2017G>A (p.Glu673Lys)

Gene: CNNM2 (cyclin and CBS domain divalent metal cation transport mediator 2; plus strand). Cytogenetic location: 10q24.32.
Variant type: single nucleotide variant.
Coding change: c.2017G>A on transcript NM_017649.5 (MANE Select); coding-DNA position 2017, G replaced by A.
Protein change: p.Glu673Lys; replaces glutamic acid 673 with lysine.
Molecular consequence: missense variant.
Genome position (GRCh38, 1-based): chr10:103,056,908, G>A. VCF-style: chr10-103056908-G-A. GRCh37 (hg19) VCF-style: chr10-104816665-G-A.
Other names: c.2017G>A, p.Glu673Lys (NM_199076.3); short protein forms E673K.
Identifiers: ClinVar variation 4700048 (VCV004700048.1).